The following is an entry in ClinVar:

ClinVar aggregate classification (germline): Likely benign. Review status: criteria provided, multiple submitters, no conflicts (2 of 4 stars). 4 submissions from 4 submitters: Likely benign (4). Last evaluated 2025-12-24.

Allele frequency attached by ClinVar (database versions not stated): gnomAD 0.00001; TOPMed 0.00001; gnomAD exomes 0.00003 and 0.00004; ExAC 0.00006; ESP Exome Variant Server 0.00008.
gnomAD v4.1: 54 of 1,573,676 alleles (0.0034%); highest among the groups gnomAD compares: Non-Finnish European, 0.0043%; no homozygotes.

Submissions (4):

Labcorp Genetics (formerly Invitae), Labcorp
Classification: Likely benign. Last evaluated: 2025-12-24. Review status: criteria provided, single submitter. Criteria: Invitae Variant Classification Sherloc (09022015). Collection method: clinical testing. Allele origin: germline.

Blueprint Genetics
Classification: Likely benign. Last evaluated: 2024-06-17. Review status: criteria provided, single submitter. Criteria: ACMG Guidelines, 2015. Collection method: clinical testing. Allele origin: germline.

ARUP Laboratories, Molecular Genetics and Genomics, ARUP Laboratories
Classification: Likely benign. Last evaluated: 2019-11-18. Review status: criteria provided, single submitter. Criteria: ARUP Molecular Germline Variant Investigation Process. Collection method: clinical testing. Allele origin: germline.

Laboratory for Molecular Medicine, Mass General Brigham Personalized Medicine
Classification: Likely benign. Last evaluated: 2012-04-30. Review status: criteria provided, single submitter. Criteria: LMM Criteria. Collection method: clinical testing. Allele origin: germline. Observed: 1 variant allele.
Comment: Leu485Leu in Exon 13 of MYO7A: This variant is not expected to have clinical sig nificance because it does not alter an amino acid residue, is not located within the splice consensus sequence, and has been identified in 1/7000 European Ameri can chromosomes from a broad population by the NHLBI Exome Sequencing Project.

NM_000260.4(MYO7A):c.1455G>A (p.Leu485=)

Gene: MYO7A (myosin VIIA; plus strand). Cytogenetic location: 11q13.5.
Variant type: single nucleotide variant.
Coding change: c.1455G>A on transcript NM_000260.4 (MANE Select); coding-DNA position 1455, G replaced by A.
Protein change: p.Leu485=; no amino-acid change (leucine 485 retained).
Molecular consequence: synonymous variant.
Genome position (GRCh38, 1-based): chr11:77,162,231, G>A. VCF-style: chr11-77162231-G-A. GRCh37 (hg19) VCF-style: chr11-76873277-G-A.
Other names: c.1455G>A, p.Leu485= (NM_001127180.2); c.1422G>A, p.Leu474= (NM_001369365.1).
Identifiers: ClinVar variation 43148 (VCV000043148.23), dbSNP rs375528761, ClinGen allele CA132208.